The following is an entry in ClinVar:

NM_001242896.3(DEPDC5):c.4793T>C (p.Met1598Thr)

Gene: DEPDC5 (DEP domain containing 5, GATOR1 subcomplex subunit; plus strand). Cytogenetic location: 22q12.3.
Variant type: single nucleotide variant.
Coding change: c.4793T>C on transcript NM_001242896.3 (MANE Select); coding-DNA position 4793, T replaced by C.
Protein change: p.Met1598Thr; replaces methionine 1598 with threonine.
Molecular consequence: missense variant. On other transcripts: non-coding transcript variant (5).
Genome position (GRCh38, 1-based): chr22:31,906,478, T>C. VCF-style: chr22-31906478-T-C. GRCh37 (hg19) VCF-style: chr22-32302464-T-C.
Other names: c.4766T>C, p.Met1589Thr (NM_001136029.4); c.4493T>C, p.Met1498Thr (NM_001242897.2); c.4727T>C, p.Met1576Thr (NM_001363852.2, NM_001364320.2); c.4559T>C, p.Met1520Thr (NM_001363854.2, NM_001364319.2); c.4793T>C, p.Met1598Thr (NM_001364318.2); c.4709T>C, p.Met1570Thr (NM_001369901.1, NM_001369902.1); c.4700T>C, p.Met1567Thr (NM_001369903.1, NM_014662.6); short protein forms M1498T, M1598T, M1576T, M1567T, M1570T, M1589T, M1520T.
Identifiers: ClinVar variation 546449 (VCV000546449.6), dbSNP rs1555943470, ClinGen allele CA411293305.

ClinVar aggregate classification (germline): Uncertain significance. Review status: criteria provided, multiple submitters, no conflicts (2 of 4 stars). 2 submissions from 2 submitters: Uncertain significance (2). Last evaluated 2023-12-30.

Conditions:
Familial focal epilepsy with variable foci (FPEVF). Identifiers: Orphanet 98820, MedGen C1858477, MONDO:0020310.

Submissions (2):

Labcorp Genetics (formerly Invitae), Labcorp
Classification: Uncertain significance for Familial focal epilepsy with variable foci. Last evaluated: 2023-12-30. Review status: criteria provided, single submitter. Criteria: Invitae Variant Classification Sherloc (09022015). Collection method: clinical testing. Allele origin: germline.
Comment: This sequence change replaces methionine, which is neutral and non-polar, with threonine, which is neutral and polar, at codon 1598 of the DEPDC5 protein (p.Met1598Thr). This variant is not present in population databases (gnomAD no frequency). This variant has not been reported in the literature in individuals affected with DEPDC5-related conditions. ClinVar contains an entry for this variant (Variation ID: 546449). Experimental studies and prediction algorithms are not available or were not evaluated, and the functional significance of this variant is currently unknown. In summary, the available evidence is currently insufficient to determine the role of this variant in disease. Therefore, it has been classified as a Variant of Uncertain Significance.

GeneDx
Classification: Uncertain significance. Last evaluated: 2021-01-23. Review status: criteria provided, single submitter. Criteria: GeneDx Variant Classification Process June 2021. Collection method: clinical testing. Allele origin: germline. Affected: yes.
Comment: Not observed in large population cohorts (Lek et al., 2016); In silico analysis supports that this missense variant does not alter protein structure/function; Has not been previously published as pathogenic or benign to our knowledge